The following is an entry in ClinVar:

ClinVar aggregate classification (germline): Pathogenic/Likely pathogenic. Review status: criteria provided, multiple submitters, no conflicts (2 of 4 stars). 2 submissions from 2 submitters: Pathogenic (1); Likely pathogenic (1). Last evaluated 2024-10-04.

Conditions:
3-Methylglutaconic aciduria. Identifiers: Orphanet 289902, MedGen C3696376, MONDO:0017359, HP:0003535.

Submissions (2):

Dubai Health Genomic Medicine Center, Dubai Health
Classification: Likely pathogenic for 3-methylglutaconic aciduria. Last evaluated: 2024-10-04. Review status: criteria provided, single submitter. Criteria: ACMG Guidelines, 2015. Collection method: research. Allele origin: germline. Affected: yes.
Comment: PVS1,PM2,PP1

GeneDx
Classification: Pathogenic. Last evaluated: 2023-06-13. Review status: criteria provided, single submitter. Criteria: GeneDx Variant Classification Process June 2021. Collection method: clinical testing. Allele origin: germline. Affected: yes.
Comment: Frameshift variant predicted to result in protein truncation or nonsense mediated decay in a gene for which loss of function is a known mechanism of disease; Not observed at significant frequency in large population cohorts (gnomAD); This variant is associated with the following publications: (PMID: 34374989)

NM_001698.3(AUH):c.830_831del (p.Glu277fs)

Gene: AUH (AU RNA binding methylglutaconyl-CoA hydratase; minus strand). Cytogenetic location: 9q22.31.
Variant type: Microsatellite.
Coding change: c.830_831del on transcript NM_001698.3 (MANE Select); coding-DNA positions 830 to 831, 2 bases deleted (AG; older notation c.830_831delAG).
Protein change: p.Glu277fs; shifts the reading frame from glutamic acid 277.
Molecular consequence: frameshift variant.
Genome position (GRCh38, 1-based): chr9:91,220,817-91,220,818, CT deleted on the plus strand (AG on the coding strand, the reverse complement: AUH is on the minus strand); deleting any 2 consecutive bases within chr9:91,220,817-91,220,823 gives the same sequence; the c. name uses the placement nearest the transcript's 3' end. VCF-style (leftmost placement, unchanged base first): chr9-91220816-ACT-A. GRCh37 (hg19) VCF-style: chr9-93983098-ACT-A.
Other names: c.830_831del (NM_001698.2); c.743_744del, p.Glu248fs (NM_001306190.2); c.503_504del, p.Glu168fs (NM_001351431.2, NM_001351432.2, NM_001351433.2); short protein forms E168fs, E248fs, E277fs.
Identifiers: ClinVar variation 3359774 (VCV003359774.2).